The following is an entry in ClinVar:

NM_001354604.2(MITF):c.1404C>A (p.Asn468Lys)

Gene: MITF (melanocyte inducing transcription factor; plus strand). Cytogenetic location: 3p13.
Variant type: single nucleotide variant.
Coding change: c.1404C>A on transcript NM_001354604.2 (MANE Select); coding-DNA position 1404, C replaced by A.
Protein change: p.Asn468Lys; replaces asparagine 468 with lysine.
Molecular consequence: missense variant.
Genome position (GRCh38, 1-based): chr3:69,965,071, C>A. VCF-style: chr3-69965071-C-A. GRCh37 (hg19) VCF-style: chr3-70014222-C-A.
Other names: c.1083C>A, p.Asn361Lys (NM_000248.4); c.1230C>A, p.Asn410Lys (NM_001184967.2, NM_001354608.2); c.1401C>A, p.Asn467Lys (NM_001354605.2); c.1383C>A, p.Asn461Lys (NM_001354606.2, NM_006722.3); c.1335C>A, p.Asn445Lys (NM_001354607.2); c.1065C>A, p.Asn355Lys (NM_198158.3); c.1386C>A, p.Asn462Lys (NM_198159.3); c.1338C>A, p.Asn446Lys (NM_198177.3); and 1 more; short protein forms N462K, N299K, N361K, N446K, N467K, N468K, N445K, N461K.
Identifiers: ClinVar variation 3873240 (VCV003873240.1).

ClinVar aggregate classification (germline): Uncertain significance (1 of 4 stars; one submission).

Conditions:
Hereditary cancer-predisposing syndrome. Also called: Tumor predisposition; Neoplastic Syndromes, Hereditary; Hereditary Cancer Syndrome; Hereditary neoplastic syndrome. Identifiers: Orphanet 140162, MedGen C0027672, MeSH D009386, MONDO:0015356.

Submission:

Ambry Genetics
Classification: Uncertain significance for Hereditary cancer-predisposing syndrome. Last evaluated: 2025-02-08. Review status: criteria provided, single submitter. Criteria: Ambry Variant Classification Scheme 2023. Collection method: clinical testing. Allele origin: germline.
Comment: The p.N361K variant (also known as c.1083C>A), located in coding exon 9 of the MITF gene, results from a C to A substitution at nucleotide position 1083. The asparagine at codon 361 is replaced by lysine, an amino acid with similar properties. This amino acid position is conserved. In addition, this alteration is predicted to be tolerated by in silico analysis. Based on the available evidence, the clinical significance of this variant remains unclear.